The following is an entry in ClinVar:

ClinVar aggregate classification (germline): Uncertain significance (1 of 4 stars; one submission).

Conditions:
Developmental and epileptic encephalopathy, 9 (DEE9). Also called: Early infantile epileptic encephalopathy 9; JUBERG-HELLMAN SYNDROME; PCDH19-Related X-Linked Female-Limited Epilepsy with Mental Retardation; EPILEPSY, FEMALE-RESTRICTED, WITH MENTAL RETARDATION. Identifiers: Orphanet 101039, Orphanet 2076, MedGen C1848137, MONDO:0010246, OMIM 300088. Disease mechanism: loss of function.

Submission:

Neuberg Centre For Genomic Medicine, NCGM
Classification: Uncertain significance for Developmental and epileptic encephalopathy, 9. Last evaluated: 2023-05-20. Review status: criteria provided, single submitter. Criteria: ACMG Guidelines, 2015. Collection method: clinical testing. Allele origin: germline. Inheritance: X-linked inheritance. Affected: yes.
Comment: The observed missense c.2893G>C (p.Gly965Arg) variant in PCDH19 gene has not been reported previously as a pathogenic variant nor as a benign variant, to our knowledge. The p.Gly965Arg variant is absent in gnomAD Exomes. This variant has not been submitted to the ClinVar database. Multiple lines of computational evidence (Polyphen - Probably Damaging, SIFT - Damaging and MutationTaster - Disease causing) predict a damaging effect on protein structure and function for this variant. The reference amino acid of p.Gly965Arg in PCDH19 is predicted as conserved by GERP++ and PhyloP across 100 vertebrates. The amino acid Gly at position 965 is changed to a Arg changing protein sequence and it might alter its composition and physico-chemical properties. For these reasons, this variant has been classified as a Variant of Uncertain Significance (VUS).

NM_001184880.2(PCDH19):c.2893G>C (p.Gly965Arg)

Gene: PCDH19 (protocadherin 19; minus strand). Cytogenetic location: Xq22.1.
Variant type: single nucleotide variant.
Coding change: c.2893G>C on transcript NM_001184880.2 (MANE Select); coding-DNA position 2893, G replaced by C.
Protein change: p.Gly965Arg; replaces glycine 965 with arginine.
Molecular consequence: missense variant.
Genome position (GRCh38, 1-based): chrX:100,296,831, C>G on the plus strand (G>C on the coding strand, the complement: PCDH19 is on the minus strand). VCF-style: chrX-100296831-C-G. GRCh37 (hg19) VCF-style: chrX-99551829-C-G.
Other names: c.2752G>C, p.Gly918Arg (NM_001105243.2); c.2749G>C, p.Gly917Arg (NM_020766.3); short protein forms G917R, G918R, G965R.
Identifiers: ClinVar variation 3362332 (VCV003362332.3).
Genomic context (GRCh38, chrX:100,296,831, plus strand): 5'-CAGGGGACTTGGAACGGATGGGCATGGGGTTCCGGGGCATCCAGCACCTGTCAGAGTGGC[C>G]AAGAATCCGGCATTCTTCCCGGCAATGAAATCCTTCATTCTGATCTGTTTGGAAAAAAGA-3'
Protein context (NP_001171809.1, residues 955-975): FHCREECRIL[Gly965Arg]HSDRCWMPRN